The following is an entry in ClinVar:

NM_001918.5(DBT):c.1291C>T (p.Arg431Ter)

Gene: DBT (dihydrolipoamide branched chain transacylase E2; minus strand). Cytogenetic location: 1p21.2.
Variant type: single nucleotide variant.
Coding change: c.1291C>T on transcript NM_001918.5 (MANE Select); coding-DNA position 1291, C replaced by T.
Protein change: p.Arg431Ter; replaces arginine 431 with a stop codon.
Molecular consequence: nonsense.
Genome position (GRCh38, 1-based): chr1:100,196,413, G>A on the plus strand (C>T on the coding strand, the complement: DBT is on the minus strand). VCF-style: chr1-100196413-G-A. GRCh37 (hg19) VCF-style: chr1-100661969-G-A.
Other names: short protein forms R431*.
Identifiers: ClinVar variation 93991 (VCV000093991.22), dbSNP rs398123660, ClinGen allele CA221874.

ClinVar aggregate classification (germline): Pathogenic. Review status: criteria provided, multiple submitters, no conflicts (2 of 4 stars). 8 submissions from 8 submitters: Pathogenic (7). 1 of the submissions does not count toward it. Last evaluated 2024-04-27.

Conditions:
Maple syrup urine disease type 2 (MSUD2). Also called: Maple syrup urine disease, type II. Identifiers: MedGen C1855371, MONDO:0023693, OMIM 620699.
Maple syrup urine disease type 1A (MSUD1A). Also called: MSUD type 1A. Identifiers: MedGen C1855369, MONDO:0023691, OMIM 248600.
Maple syrup urine disease (MSUD). Identifiers: Orphanet 511, MedGen C0024776, MeSH D008375, MONDO:0009563. Disease mechanism: loss of function.

Allele frequency attached by ClinVar (database versions not stated): ExAC 0.00001; gnomAD 0.00001; gnomAD exomes 0.00001.

Submissions (8):

Fulgent Genetics
Classification: Pathogenic for Maple syrup urine disease type 2. Last evaluated: 2024-04-27. Review status: criteria provided, single submitter. Criteria: ACMG Guidelines, 2015. Collection method: clinical testing. Allele origin: germline.

Labcorp Genetics (formerly Invitae), Labcorp
Classification: Pathogenic for Maple syrup urine disease. Last evaluated: 2023-09-10. Review status: criteria provided, single submitter. Criteria: Invitae Variant Classification Sherloc (09022015). Collection method: clinical testing. Allele origin: germline.
Comment: For these reasons, this variant has been classified as Pathogenic. ClinVar contains an entry for this variant (Variation ID: 93991). This premature translational stop signal has been observed in individual(s) with maple syrup urine disease (PMID: 31119508, 32193832). This variant is present in population databases (rs398123660, gnomAD 0.005%). This sequence change creates a premature translational stop signal (p.Arg431*) in the DBT gene. While this is not anticipated to result in nonsense mediated decay, it is expected to disrupt the last 52 amino acid(s) of the DBT protein.

Baylor Genetics
Classification: Pathogenic for Maple syrup urine disease type 1A. Last evaluated: 2023-02-05. Review status: criteria provided, single submitter. Criteria: ACMG Guidelines, 2015. Collection method: clinical testing. Allele origin: unknown.

Genome-Nilou Lab
Classification: Pathogenic for Maple syrup urine disease type 1A. Last evaluated: 2021-11-07. Review status: criteria provided, single submitter. Criteria: ACMG Guidelines, 2015. Collection method: clinical testing. Allele origin: germline. Affected: no.

Revvity Omics, Revvity
Classification: Pathogenic for Maple syrup urine disease type 1A. Last evaluated: 2021-09-24. Review status: criteria provided, single submitter. Criteria: ACMG Guidelines, 2015. Collection method: clinical testing. Allele origin: germline.

Eurofins Ntd Llc (ga)
Classification: Pathogenic. Last evaluated: 2013-08-23. Review status: criteria provided, single submitter. Criteria: EGL Classification Definitions. Collection method: clinical testing. Allele origin: germline. Observed: 2 variant alleles, 2 heterozygotes.

Juno Genomics, Hangzhou Juno Genomics, Inc
Classification: Pathogenic for Maple syrup urine disease type 2. Review status: criteria provided, single submitter. Criteria: ACMG Guidelines, 2015. Collection method: clinical testing. Allele origin: germline.
Comment: Absent from controls (or at extremely low frequency if recessive) in Genome Aggregation Database.;Null variant in a gene where loss of function (LOF) is a known mechanism of disease.;For recessive disorders, detected in trans with a pathogenic variant.;Patient's phenotype or family history is highly specific for a disease with a single genetic etiology.

Counsyl
Classification: Likely pathogenic for Maple syrup urine disease type 1A. Last evaluated: 2017-04-21. Review status: no assertion criteria provided. Collection method: clinical testing. Allele origin: unknown. Not counted in ClinVar's aggregate classification.

Literature cited by the submitters: PubMed 31119508 (cited by Labcorp Genetics (formerly Invitae), Labcorp); PubMed 32193832 (cited by Labcorp Genetics (formerly Invitae), Labcorp).